The following is an entry in ClinVar:

NM_138477.4(CDAN1):c.1401A>C (p.Glu467Asp)

Gene: CDAN1 (codanin 1; minus strand). Cytogenetic location: 15q15.2.
Variant type: single nucleotide variant.
Coding change: c.1401A>C on transcript NM_138477.4 (MANE Select); coding-DNA position 1401, A replaced by C.
Protein change: p.Glu467Asp; replaces glutamic acid 467 with aspartic acid.
Molecular consequence: missense variant.
Genome position (GRCh38, 1-based): chr15:42,733,153, T>G on the plus strand (A>C on the coding strand, the complement: CDAN1 is on the minus strand). VCF-style: chr15-42733153-T-G. GRCh37 (hg19) VCF-style: chr15-43025351-T-G.
Other names: short protein forms E467D.
Identifiers: ClinVar variation 1903534 (VCV001903534.5), dbSNP rs202001507, ClinGen allele CA7516070.

ClinVar aggregate classification (germline): Uncertain significance (1 of 4 stars; one submission).

Allele frequency attached by ClinVar (database versions not stated): gnomAD exomes 0.00003; ExAC 0.00004; gnomAD 0.00005; TOPMed 0.00005; 1000 Genomes Project 30x 0.00016; 1000 Genomes Project 0.00020.
gnomAD v4.1: 26 of 1,614,066 alleles (0.0016%); highest among the groups gnomAD compares: East Asian, 0.058%; no homozygotes.

Submission:

Labcorp Genetics (formerly Invitae), Labcorp
Classification: Uncertain significance. Last evaluated: 2023-08-11. Review status: criteria provided, single submitter. Criteria: Invitae Variant Classification Sherloc (09022015). Collection method: clinical testing. Allele origin: germline.
Comment: This sequence change replaces glutamic acid, which is acidic and polar, with aspartic acid, which is acidic and polar, at codon 467 of the CDAN1 protein (p.Glu467Asp). This variant is present in population databases (rs202001507, gnomAD 0.1%). This variant has not been reported in the literature in individuals affected with CDAN1-related conditions. ClinVar contains an entry for this variant (Variation ID: 1903534). An algorithm developed to predict the effect of missense changes on protein structure and function (PolyPhen-2) suggests that this variant is likely to be disruptive. In summary, the available evidence is currently insufficient to determine the role of this variant in disease. Therefore, it has been classified as a Variant of Uncertain Significance.